The following is an entry in ClinVar:

NM_001458.5(FLNC):c.7528G>C (p.Ala2510Pro)

Genes: FLNC (filamin C; plus strand), FLNC-AS1 (FLNC antisense RNA 1; minus strand). Cytogenetic location: 7q32.1.
Variant type: single nucleotide variant.
Coding change: c.7528G>C on transcript NM_001458.5 (MANE Select); coding-DNA position 7528, G replaced by C.
Protein change: p.Ala2510Pro; replaces alanine 2510 with proline.
Molecular consequence: missense variant.
Genome position (GRCh38, 1-based): chr7:128,856,888, G>C. VCF-style: chr7-128856888-G-C. GRCh37 (hg19) VCF-style: chr7-128496942-G-C.
Other names: c.7429G>C, p.Ala2477Pro (NM_001127487.2); short protein forms A2510P, A2477P.
Identifiers: ClinVar variation 2922734 (VCV002922734.3), dbSNP rs2536670564, ClinGen allele CA369218842.

ClinVar aggregate classification (germline): Uncertain significance (1 of 4 stars; one submission).

Conditions:
Myofibrillar myopathy 5. Also called: FILAMINOPATHY, AUTOSOMAL DOMINANT; Filaminopathy (type). Identifiers: Orphanet 171445, MedGen C1836050, MONDO:0012289, OMIM 609524.
Hypertrophic cardiomyopathy 26. Also called: Cardiomyopathy, familial hypertrophic, 26. Identifiers: Orphanet 75249, MedGen C4310749, MONDO:0014883, OMIM 617047.
Distal myopathy with posterior leg and anterior hand involvement. Also called: WILLIAMS DISTAL MYOPATHY. Identifiers: Orphanet 63273, MedGen C3279722, MONDO:0013550, OMIM 614065.

Submission:

Labcorp Genetics (formerly Invitae), Labcorp
Classification: Uncertain significance for Distal myopathy with posterior leg and anterior hand involvement; Myofibrillar myopathy 5; Hypertrophic cardiomyopathy 26. Last evaluated: 2024-01-31. Review status: criteria provided, single submitter. Criteria: Invitae Variant Classification Sherloc (09022015). Collection method: clinical testing. Allele origin: germline.
Comment: This sequence change replaces alanine, which is neutral and non-polar, with proline, which is neutral and non-polar, at codon 2510 of the FLNC protein (p.Ala2510Pro). This variant is not present in population databases (gnomAD no frequency). This variant has not been reported in the literature in individuals affected with FLNC-related conditions. Advanced modeling of protein sequence and biophysical properties (such as structural, functional, and spatial information, amino acid conservation, physicochemical variation, residue mobility, and thermodynamic stability) performed at Invitae indicates that this missense variant is not expected to disrupt FLNC protein function with a negative predictive value of 80%. In summary, the available evidence is currently insufficient to determine the role of this variant in disease. Therefore, it has been classified as a Variant of Uncertain Significance.